The following is an entry in ClinVar:

ClinVar aggregate classification (germline): Uncertain significance. Review status: criteria provided, multiple submitters, no conflicts (2 of 4 stars). 3 submissions from 3 submitters: Uncertain significance (3). Last evaluated 2025-02-09.

Conditions:
Ellis-van Creveld syndrome (EVC). Also called: EVC-Related Ellis-van Creveld Syndrome; EVC2-Related Ellis-van Creveld Syndrome; MESOECTODERMAL DYSPLASIA; Chondroectodermal dysplasia. Identifiers: Orphanet 289, MedGen C0013903, MONDO:0009162, OMIM 225500.
Curry-Hall syndrome (WAD). Also called: WEYERS ACRODENTAL DYSOSTOSIS. Identifiers: Orphanet 952, MedGen C0457013, MONDO:0008673, OMIM 193530.
Inborn genetic diseases. Identifiers: MedGen C0950123, MeSH D030342.

Allele frequency attached by ClinVar (database versions not stated): gnomAD 0.00005; TOPMed 0.00005; ExAC 0.00007; gnomAD exomes 0.00008.
gnomAD v4.1: 48 of 1,613,852 alleles (0.003%); highest among the groups gnomAD compares: East Asian, 0.036%; no homozygotes.

Submissions (3):

Labcorp Genetics (formerly Invitae), Labcorp
Classification: Uncertain significance for Curry-Hall syndrome; Ellis-van Creveld syndrome. Last evaluated: 2025-02-09. Review status: criteria provided, single submitter. Criteria: Invitae Variant Classification Sherloc (09022015). Collection method: clinical testing. Allele origin: germline.
Comment: This sequence change replaces arginine, which is basic and polar, with tryptophan, which is neutral and slightly polar, at codon 644 of the EVC2 protein (p.Arg644Trp). This variant is present in population databases (rs760871098, gnomAD 0.07%). This variant has not been reported in the literature in individuals affected with EVC2-related conditions. ClinVar contains an entry for this variant (Variation ID: 905838). An algorithm developed to predict the effect of missense changes on protein structure and function (PolyPhen-2) suggests that this variant is likely to be disruptive. In summary, the available evidence is currently insufficient to determine the role of this variant in disease. Therefore, it has been classified as a Variant of Uncertain Significance.

Ambry Genetics
Classification: Uncertain significance for Inborn genetic diseases. Last evaluated: 2024-06-28. Review status: criteria provided, single submitter. Criteria: Ambry Variant Classification Scheme 2023. Collection method: clinical testing. Allele origin: germline.

Illumina Laboratory Services, Illumina
Classification: Uncertain significance for Ellis-van Creveld syndrome. Last evaluated: 2018-01-13. Review status: criteria provided, single submitter. Criteria: ICSL Variant Classification Criteria 13 December 2019. Collection method: clinical testing. Allele origin: germline.

NM_147127.5(EVC2):c.1930C>T (p.Arg644Trp)

Gene: EVC2 (EvC ciliary complex subunit 2; minus strand). Cytogenetic location: 4p16.2.
Variant type: single nucleotide variant.
Coding change: c.1930C>T on transcript NM_147127.5 (MANE Select); coding-DNA position 1930, C replaced by T.
Protein change: p.Arg644Trp; replaces arginine 644 with tryptophan.
Molecular consequence: missense variant.
Genome position (GRCh38, 1-based): chr4:5,625,865, G>A on the plus strand (C>T on the coding strand, the complement: EVC2 is on the minus strand). VCF-style: chr4-5625865-G-A. GRCh37 (hg19) VCF-style: chr4-5627592-G-A.
Other names: c.1690C>T, p.Arg564Trp (NM_001166136.2); short protein forms R564W, R644W.
Identifiers: ClinVar variation 905838 (VCV000905838.7), dbSNP rs760871098, ClinGen allele CA2834878.
Genomic context (GRCh38, chr4:5,625,865, plus strand): 5'-TTTCCTGCTTTAAGTCATTGTCCAACTTCTGCTTGATTGAAAAGACTTCTGTCTGAGCCC[G>A]CTCCAATAGCATTTCCATTTGGTCTTCATCCAGGTACCCTGCTCTAGATGGAAAGGATGT-3'
Protein context (NP_667338.3, residues 634-654): DEDQMEMLLE[Arg644Trp]AQTEVFSIKQ